The following is an entry in ClinVar:

NM_032382.5(COG8):c.15G>A (p.Ala5=)

Gene: COG8 (component of oligomeric golgi complex 8; minus strand). Cytogenetic location: 16q22.1.
Variant type: single nucleotide variant.
Coding change: c.15G>A on transcript NM_032382.5 (MANE Select); coding-DNA position 15, G replaced by A.
Protein change: p.Ala5=; no amino-acid change (alanine 5 retained).
Molecular consequence: synonymous variant.
Genome position (GRCh38, 1-based): chr16:69,339,538, C>T on the plus strand (G>A on the coding strand, the complement: COG8 is on the minus strand). VCF-style: chr16-69339538-C-T. GRCh37 (hg19) VCF-style: chr16-69373441-C-T.
Other names: c.15G>A, p.Ala5= (NM_001374871.1, NM_001379261.1, NM_001379262.1 and 4 more transcripts).
Identifiers: ClinVar variation 382281 (VCV000382281.1), dbSNP rs751302354, ClinGen allele CA8134082.

ClinVar aggregate classification (germline): Likely benign (1 of 4 stars; one submission).

Allele frequency attached by ClinVar (database versions not stated): TOPMed 0.00008; ExAC 0.00001.
gnomAD v4.1: 20 of 1,608,598 alleles (0.0012%); highest among the groups gnomAD compares: Admixed American, 0.028%; no homozygotes.

Submission:

GeneDx
Classification: Likely benign. Last evaluated: 2016-02-04. Review status: criteria provided, single submitter. Criteria: GeneDx Variant Classification (06012015). Collection method: clinical testing. Allele origin: germline. Affected: yes.
Comment: This variant is considered likely benign or benign based on one or more of the following criteria: it is a conservative change, it occurs at a poorly conserved position in the protein, it is predicted to be benign by multiple in silico algorithms, and/or has population frequency not consistent with disease.